The following is an entry in ClinVar:

NM_000455.5(STK11):c.*9G>T

Gene: STK11 (serine/threonine kinase 11; plus strand). Cytogenetic location: 19p13.3.
Variant type: single nucleotide variant.
Coding change: c.*9G>T on transcript NM_000455.5 (MANE Select); 9 bases downstream of the stop codon, G replaced by T.
Molecular consequence: 3 prime UTR variant. On other transcripts: non-coding transcript variant (1).
Genome position (GRCh38, 1-based): chr19:1,226,656, G>T. VCF-style: chr19-1226656-G-T. GRCh37 (hg19) VCF-style: chr19-1226655-G-T.
Identifiers: ClinVar variation 4532946 (VCV004532946.1).
Genomic context (GRCh38, chr19:1,226,656, plus strand): 5'-CTGCTCCGCCAGCAGCAAGATCCGCCGGCTGTCGGCCTGCAAGCAGCAGTGAGGCTGGCC[G>T]CCTGCAGGTGGGGCGCGGCGGGGCCCGGGTGGGGCATGTGGGGACAACGCCTGGATGCCA-3'

ClinVar aggregate classification (germline): Uncertain significance (1 of 4 stars; one submission).

gnomAD v4.1: 3 of 1,511,594 alleles (0.0002%); highest among the groups gnomAD compares: Non-Finnish European, 0.00026%; no homozygotes.

Submission:

Quest Diagnostics Nichols Institute San Juan Capistrano
Classification: Uncertain significance. Last evaluated: 2025-04-15. Review status: criteria provided, single submitter. Criteria: Quest Diagnostics criteria. Collection method: clinical testing. Allele origin: unknown.
Comment: The STK11 c.*9G>T variant has not been reported in individuals with STK11-related conditions in the published literature. The frequency of this variant in the general population (Genome Aggregation Database) is uninformative in the assessment of its pathogenicity. Analysis of this variant using software algorithms for the prediction of the effect of nucleotide changes on splicing yielded predictions that this variant does not affect STK11 mRNA splicing. Based on the available information, we are unable to determine the clinical significance of this variant.